The following is an entry in ClinVar:

NM_000642.3(AGL):c.1462G>A (p.Gly488Arg)

Gene: AGL (amylo-alpha-1,6-glucosidase and 4-alpha-glucanotransferase; plus strand). Cytogenetic location: 1p21.2.
Variant type: single nucleotide variant.
Coding change: c.1462G>A on transcript NM_000642.3 (MANE Select); coding-DNA position 1462, G replaced by A.
Protein change: p.Gly488Arg; replaces glycine 488 with arginine.
Molecular consequence: missense variant.
Genome position (GRCh38, 1-based): chr1:99,877,679, G>A. VCF-style: chr1-99877679-G-A. GRCh37 (hg19) VCF-style: chr1-100343235-G-A.
Other names: c.1462G>A, p.Gly488Arg (NM_000028.3, NM_000643.3, NM_000644.3 and 2 more transcripts); c.1414G>A, p.Gly472Arg (NM_000646.3); c.1261G>A, p.Gly421Arg (NM_001425327.1); c.1258G>A, p.Gly420Arg (NM_001425328.1, NM_001425329.1); c.1084G>A, p.Gly362Arg (NM_001425332.1); short protein forms G472R, G488R, G362R, G420R, G421R.
Identifiers: ClinVar variation 2051804 (VCV002051804.1), dbSNP rs1651661529, ClinGen allele CA341314560.
Genomic context (GRCh38, chr1:99,877,679, plus strand): 5'-AAGCAATCTCTTTTCTGAACAGGTTCAGAAGTTTACCTAAGGAGAGAACTTATTTGCTGG[G>A]GAGACAGTGTTAAATTACGCTATGGGAATAAACCAGAGGACTGTCCTTATCTCTGGGCAC-3'
Protein context (NP_000633.2, residues 478-498): VYLRRELICW[Gly488Arg]DSVKLRYGNK

ClinVar aggregate classification (germline): Uncertain significance (1 of 4 stars; one submission).

Conditions:
Glycogen storage disease type III (GSD3). Also called: Cori disease; FORBES DISEASE. Identifiers: Orphanet 366, MedGen C0017922, MONDO:0009291, OMIM 232400.

Allele frequency attached by ClinVar (database versions not stated): gnomAD exomes below 0.00001; TOPMed below 0.00001.
gnomAD v4.1: 2 of 1,613,956 alleles (0.00012%); highest among the groups gnomAD compares: Non-Finnish European, 0.00017%; no homozygotes.

Submission:

Labcorp Genetics (formerly Invitae), Labcorp
Classification: Uncertain significance for Glycogen storage disease type III. Last evaluated: 2022-06-09. Review status: criteria provided, single submitter. Criteria: Invitae Variant Classification Sherloc (09022015). Collection method: clinical testing. Allele origin: germline.
Comment: This sequence change replaces glycine, which is neutral and non-polar, with arginine, which is basic and polar, at codon 488 of the AGL protein (p.Gly488Arg). This variant is not present in population databases (gnomAD no frequency). This variant has not been reported in the literature in individuals affected with AGL-related conditions. Algorithms developed to predict the effect of missense changes on protein structure and function are either unavailable or do not agree on the potential impact of this missense change (SIFT: "Deleterious"; PolyPhen-2: "Probably Damaging"; Align-GVGD: "Class C0"). In summary, the available evidence is currently insufficient to determine the role of this variant in disease. Therefore, it has been classified as a Variant of Uncertain Significance.